The following is an entry in ClinVar:

NM_020806.5(GPHN):c.1327C>A (p.Arg443=)

Gene: GPHN (gephyrin; plus strand). Cytogenetic location: 14q23.3.
Variant type: single nucleotide variant.
Coding change: c.1327C>A on transcript NM_020806.5 (MANE Select); coding-DNA position 1327, C replaced by A.
Protein change: p.Arg443=; no amino-acid change (arginine 443 retained).
Molecular consequence: synonymous variant.
Genome position (GRCh38, 1-based): chr14:67,110,173, C>A. VCF-style: chr14-67110173-C-A. GRCh37 (hg19) VCF-style: chr14-67576890-C-A.
Other names: c.1327C>A (NM_020806.4); c.1228C>A, p.Arg410= (NM_001024218.2); c.1387C>A, p.Arg463= (NM_001377514.1); c.1357C>A, p.Arg453= (NM_001377515.1); c.1348C>A, p.Arg450= (NM_001377516.1); c.1300C>A, p.Arg434= (NM_001377517.1); c.1285C>A, p.Arg429= (NM_001377518.1); c.1267C>A, p.Arg423= (NM_001377519.1).
Identifiers: ClinVar variation 2041600 (VCV002041600.6), dbSNP rs376650247, ClinGen allele CA263307548.

ClinVar aggregate classification (germline): Likely benign. Review status: criteria provided, single submitter (1 of 4 stars). 2 submissions from 2 submitters: Likely benign (1). 1 of the submissions does not count toward it. Last evaluated 2024-10-16.

Conditions:
Sulfite oxidase deficiency due to molybdenum cofactor deficiency type C. Also called: Molybdenum cofactor deficiency, complementation group C; Molybdenum cofactor deficiency C. Identifiers: Orphanet 308400, Orphanet 833, MedGen C1854990, MONDO:0014212, OMIM 615501.
GPHN-related disorder. Also called: GPHN-related condition.

Allele frequency attached by ClinVar (database versions not stated): ESP Exome Variant Server 0.00008.
gnomAD v4.1: 17 of 1,611,558 alleles (0.0011%); highest among the groups gnomAD compares: Admixed American, 0.005%; no homozygotes.

Submissions (2):

Labcorp Genetics (formerly Invitae), Labcorp
Classification: Likely benign for Sulfite oxidase deficiency due to molybdenum cofactor deficiency type C. Last evaluated: 2024-10-16. Review status: criteria provided, single submitter. Criteria: Invitae Variant Classification Sherloc (09022015). Collection method: clinical testing. Allele origin: germline.

PreventionGenetics, part of Exact Sciences
Classification: Likely benign for GPHN-related condition. Last evaluated: 2019-09-10. Review status: no assertion criteria provided. Collection method: clinical testing. Allele origin: germline. Not counted in ClinVar's aggregate classification.
Comment: This variant is classified as likely benign based on ACMG/AMP sequence variant interpretation guidelines (Richards et al. 2015 PMID: 25741868, with internal and published modifications).